The following is an entry in ClinVar:

NM_001290060.2(SEMA3B):c.1628G>C (p.Arg543Pro)

Gene: SEMA3B (semaphorin 3B; plus strand). Cytogenetic location: 3p21.31.
Variant type: single nucleotide variant.
Coding change: c.1628G>C on transcript NM_001290060.2 (MANE Select); coding-DNA position 1628, G replaced by C.
Protein change: p.Arg543Pro; replaces arginine 543 with proline.
Molecular consequence: missense variant.
Genome position (GRCh38, 1-based): chr3:50,275,438, G>C. VCF-style: chr3-50275438-G-C. GRCh37 (hg19) VCF-style: chr3-50312869-G-C.
Other names: c.1625G>C, p.Arg542Pro (NM_001005914.3); c.1643G>C, p.Arg548Pro (NM_001290061.1); c.599G>C, p.Arg200Pro (NM_001290062.2, NM_001290063.2); c.1628G>C, p.Arg543Pro (NM_004636.4); short protein forms R200P, R542P, R543P, R548P.
Identifiers: ClinVar variation 3355127 (VCV003355127.1).

ClinVar aggregate classification (germline): Uncertain significance (0 of 4 stars; one submission).

Conditions:
SEMA3B-related disorder. Also called: SEMA3B-related condition.

gnomAD v4.1: 6 of 1,606,372 alleles (0.00037%); highest among the groups gnomAD compares: Admixed American, 0.0017%; no homozygotes.

Submission:

PreventionGenetics, part of Exact Sciences
Classification: Uncertain significance for SEMA3B-related condition. Last evaluated: 2023-11-09. Review status: no assertion criteria provided. Collection method: clinical testing. Allele origin: germline.
Comment: The SEMA3B c.1643G>C variant is predicted to result in the amino acid substitution p.Arg548Pro. To our knowledge, this variant has not been reported in the literature. This variant is reported in 0.0019% of alleles in individuals of European (Non-Finnish) descent in gnomAD. At this time, the clinical significance of this variant is uncertain due to the absence of conclusive functional and genetic evidence.